The following is an entry in ClinVar:

NM_002439.5(MSH3):c.1700C>A (p.Thr567Asn)

Gene: MSH3 (mutS homolog 3; plus strand). Cytogenetic location: 5q14.1.
Variant type: single nucleotide variant.
Coding change: c.1700C>A on transcript NM_002439.5 (MANE Select); coding-DNA position 1700, C replaced by A.
Protein change: p.Thr567Asn; replaces threonine 567 with asparagine.
Molecular consequence: missense variant.
Genome position (GRCh38, 1-based): chr5:80,744,552, C>A. VCF-style: chr5-80744552-C-A. GRCh37 (hg19) VCF-style: chr5-80040371-C-A.
Other names: short protein forms T567N.
Identifiers: ClinVar variation 1778345 (VCV001778345.8), dbSNP rs945510244, ClinGen allele CA360274722.

ClinVar aggregate classification (germline): Uncertain significance. Review status: criteria provided, multiple submitters, no conflicts (2 of 4 stars). 2 submissions from 2 submitters: Uncertain significance (2). Last evaluated 2025-06-15.

Conditions:
Hereditary cancer-predisposing syndrome. Also called: Neoplastic Syndromes, Hereditary; Tumor predisposition; Hereditary Cancer Syndrome; Hereditary neoplastic syndrome. Identifiers: Orphanet 140162, MedGen C0027672, MeSH D009386, MONDO:0015356.

Submissions (2):

Labcorp Genetics (formerly Invitae), Labcorp
Classification: Uncertain significance. Last evaluated: 2025-06-15. Review status: criteria provided, single submitter. Criteria: Invitae Variant Classification Sherloc (09022015). Collection method: clinical testing. Allele origin: germline.
Comment: This sequence change replaces threonine, which is neutral and polar, with asparagine, which is neutral and polar, at codon 567 of the MSH3 protein (p.Thr567Asn). This variant is not present in population databases (gnomAD no frequency). This variant has not been reported in the literature in individuals affected with MSH3-related conditions. ClinVar contains an entry for this variant (Variation ID: 1778345). An algorithm developed to predict the effect of missense changes on protein structure and function (PolyPhen-2) suggests that this variant is likely to be disruptive. In summary, the available evidence is currently insufficient to determine the role of this variant in disease. Therefore, it has been classified as a Variant of Uncertain Significance.

Ambry Genetics
Classification: Uncertain significance for Hereditary cancer-predisposing syndrome. Last evaluated: 2025-02-08. Review status: criteria provided, single submitter. Criteria: Ambry Variant Classification Scheme 2023. Collection method: clinical testing. Allele origin: germline.
Comment: The p.T567N variant (also known as c.1700C>A), located in coding exon 12 of the MSH3 gene, results from a C to A substitution at nucleotide position 1700. The threonine at codon 567 is replaced by asparagine, an amino acid with similar properties. This amino acid position is conserved. In addition, this alteration is predicted to be deleterious by in silico analysis. Since supporting evidence is limited at this time, the clinical significance of this alteration remains unclear.